The following is an entry in ClinVar:

ClinVar aggregate classification (germline): Uncertain significance (1 of 4 stars; one submission).

Submission:

GeneDx
Classification: Uncertain significance. Last evaluated: 2025-04-04. Review status: criteria provided, single submitter. Criteria: GeneDx Variant Classification Process June 2021. Collection method: clinical testing. Allele origin: germline. Affected: yes.
Comment: Not observed at significant frequency in large population cohorts (gnomAD); In silico analysis indicates that this missense variant does not alter protein structure/function; Has not been previously published as pathogenic or benign to our knowledge

NM_001012614.2(CTBP1):c.994A>G (p.Ile332Val)

Genes: CTBP1 (C-terminal binding protein 1; minus strand), CTBP1-AS (CTBP1 antisense RNA; plus strand). Cytogenetic location: 4p16.3.
Variant type: single nucleotide variant.
Coding change: c.994A>G on transcript NM_001012614.2 (MANE Select); coding-DNA position 994, A replaced by G.
Protein change: p.Ile332Val; replaces isoleucine 332 with valine.
Molecular consequence: missense variant.
Genome position (GRCh38, 1-based): chr4:1,213,025, T>C on the plus strand (A>G on the coding strand, the complement: CTBP1 is on the minus strand). VCF-style: chr4-1213025-T-C. GRCh37 (hg19) VCF-style: chr4-1206813-T-C.
Other names: c.1027A>G, p.Ile343Val (NM_001328.3, NM_001377186.1); c.994A>G, p.Ile332Val (NM_001377187.1, NM_001377188.1, NM_001377189.1 and 4 more transcripts); short protein forms I332V, I343V.
Identifiers: ClinVar variation 4278511 (VCV004278511.1).